The following is an entry in ClinVar:

ClinVar aggregate classification (germline): Uncertain significance. Review status: criteria provided, multiple submitters, no conflicts (2 of 4 stars). 4 submissions from 4 submitters: Uncertain significance (4). Last evaluated 2025-12-29.

Conditions:
Inborn genetic diseases. Identifiers: MedGen C0950123, MeSH D030342.
OPA1-related disorder. Also called: OPA1-related condition; OPA1-related disorders.

gnomAD v4.1: 1 of 1,613,422 alleles (0.000062%); no homozygotes.

Submissions (4):

PreventionGenetics, part of Exact Sciences
Classification: Uncertain significance for OPA1-related condition. Last evaluated: 2025-12-29. Review status: criteria provided, single submitter. Criteria: ACMG Guidelines, 2015. Collection method: clinical testing. Allele origin: germline.
Comment: The OPA1 c.1795T>G variant is predicted to result in the amino acid substitution p.Leu599Val. To our knowledge, this variant has not been reported in the literature. This variant is referred to as c.1630T>G (p.Leu544Val) on alternate transcript NM_015560. This variant is reported in 0.0055% of alleles in individuals of East Asian descent in gnomAD. At this time, the clinical significance of this variant is uncertain due to the absence of conclusive functional and genetic evidence.

Ambry Genetics
Classification: Uncertain significance for Inborn genetic diseases. Last evaluated: 2025-08-07. Review status: criteria provided, single submitter. Criteria: Ambry Variant Classification Scheme 2023. Collection method: clinical testing. Allele origin: germline.

Labcorp Genetics (formerly Invitae), Labcorp
Classification: Uncertain significance. Last evaluated: 2024-10-23. Review status: criteria provided, single submitter. Criteria: Invitae Variant Classification Sherloc (09022015). Collection method: clinical testing. Allele origin: germline.
Comment: This sequence change replaces leucine, which is neutral and non-polar, with valine, which is neutral and non-polar, at codon 544 of the OPA1 protein (p.Leu544Val). This variant is present in population databases (no rsID available, gnomAD 0.006%). This variant has not been reported in the literature in individuals affected with OPA1-related conditions. Invitae Evidence Modeling of protein sequence and biophysical properties (such as structural, functional, and spatial information, amino acid conservation, physicochemical variation, residue mobility, and thermodynamic stability) indicates that this missense variant is expected to disrupt OPA1 protein function with a positive predictive value of 80%. In summary, the available evidence is currently insufficient to determine the role of this variant in disease. Therefore, it has been classified as a Variant of Uncertain Significance.

Blueprint Genetics
Classification: Uncertain significance. Last evaluated: 2017-08-02. Review status: criteria provided, single submitter. Criteria: ACMG Guidelines, 2015. Collection method: clinical testing. Allele origin: germline.

NM_130837.3(OPA1):c.1795T>G (p.Leu599Val)

Genes: OPA1 (OPA1 mitochondrial dynamin like GTPase; plus strand), LOC126806913 (BRD4-independent group 4 enhancer GRCh37_chr3:193364377-193365576; plus strand). Cytogenetic location: 3q29.
Variant type: single nucleotide variant.
Coding change: c.1795T>G on transcript NM_130837.3 (MANE Select); coding-DNA position 1795, T replaced by G.
Protein change: p.Leu599Val; replaces leucine 599 with valine.
Molecular consequence: missense variant.
Genome position (GRCh38, 1-based): chr3:193,647,105, T>G. VCF-style: chr3-193647105-T-G. GRCh37 (hg19) VCF-style: chr3-193364894-T-G.
Other names: c.1261T>G, p.Leu421Val (NM_001354663.2); c.1258T>G, p.Leu420Val (NM_001354664.2); c.1630T>G, p.Leu544Val (NM_015560.3); c.1522T>G, p.Leu508Val (NM_130831.3); c.1576T>G, p.Leu526Val (NM_130832.3); c.1633T>G, p.Leu545Val (NM_130833.3); c.1684T>G, p.Leu562Val (NM_130834.3); c.1687T>G, p.Leu563Val (NM_130835.3); and 1 more; short protein forms L420V, L421V, L545V, L526V, L544V, L508V, L562V, L581V.
Identifiers: ClinVar variation 3688545 (VCV003688545.5).